The following is an entry in ClinVar:

ClinVar aggregate classification (germline): Uncertain significance (1 of 4 stars; one submission).

Conditions:
Lethal congenital glycogen storage disease of heart. Also called: GLYCOGEN STORAGE DISEASE OF HEART; PHOSPHORYLASE KINASE DEFICIENCY OF HEART. Identifiers: Orphanet 439854, MedGen C1849813, MONDO:0009867, OMIM 261740.

Submission:

Labcorp Genetics (formerly Invitae), Labcorp
Classification: Uncertain significance for Lethal congenital glycogen storage disease of heart. Last evaluated: 2021-08-07. Review status: criteria provided, single submitter. Criteria: Invitae Variant Classification Sherloc (09022015). Collection method: clinical testing. Allele origin: germline.
Comment: In summary, the available evidence is currently insufficient to determine the role of this variant in disease. Therefore, it has been classified as a Variant of Uncertain Significance. This variant has not been reported in the literature in individuals affected with PRKAG2-related conditions. This variant is not present in population databases (ExAC no frequency). This sequence change creates a premature translational stop signal (p.Tyr271*) in the PRKAG2 gene. It is expected to result in an absent or disrupted protein product. However, the current clinical and genetic evidence is not sufficient to establish whether loss-of-function variants in PRKAG2 cause disease.

NM_016203.4(PRKAG2):c.813T>A (p.Tyr271Ter)

Gene: PRKAG2 (protein kinase AMP-activated non-catalytic subunit gamma 2; minus strand). Cytogenetic location: 7q36.1.
Variant type: single nucleotide variant.
Coding change: c.813T>A on transcript NM_016203.4 (MANE Select); coding-DNA position 813, T replaced by A.
Protein change: p.Tyr271Ter; replaces tyrosine 271 with a stop codon.
Molecular consequence: nonsense.
Genome position (GRCh38, 1-based): chr7:151,595,396, A>T on the plus strand (T>A on the coding strand, the complement: PRKAG2 is on the minus strand). VCF-style: chr7-151595396-A-T. GRCh37 (hg19) VCF-style: chr7-151292482-A-T.
Other names: c.681T>A, p.Tyr227Ter (NM_001040633.2); c.438T>A, p.Tyr146Ter (NM_001304527.2); c.90T>A, p.Tyr30Ter (NM_001304531.2, NM_024429.2); c.441T>A, p.Tyr147Ter (NM_001363698.2); short protein forms Y227*, Y271*, Y30*, Y147*, Y146*.
Identifiers: ClinVar variation 1420613 (VCV001420613.6), dbSNP rs1814236823, ClinGen allele CA370069347.